The following is an entry in ClinVar:

NM_015202.5(KATNIP):c.4770C>T (p.Asn1590=)

Gene: KATNIP (katanin interacting protein; plus strand). Cytogenetic location: 16p12.1.
Variant type: single nucleotide variant.
Coding change: c.4770C>T on transcript NM_015202.5 (MANE Select); coding-DNA position 4770, C replaced by T.
Protein change: p.Asn1590=; no amino-acid change (asparagine 1590 retained).
Molecular consequence: synonymous variant.
Genome position (GRCh38, 1-based): chr16:27,777,938, C>T. VCF-style: chr16-27777938-C-T. GRCh37 (hg19) VCF-style: chr16-27789259-C-T.
Identifiers: ClinVar variation 1980819 (VCV001980819.28), dbSNP rs748557535, ClinGen allele CA7978761.

ClinVar aggregate classification (germline): Likely benign. Review status: criteria provided, multiple submitters, no conflicts (2 of 4 stars). 2 submissions from 2 submitters: Likely benign (2). Last evaluated 2026-01-19.

Allele frequency attached by ClinVar (database versions not stated): TOPMed 0.00003; 1000 Genomes Project 30x 0.00016.
gnomAD v4.1: 32 of 1,614,158 alleles (0.002%); highest among the groups gnomAD compares: East Asian, 0.0045%; no homozygotes.

Submissions (2):

Labcorp Genetics (formerly Invitae), Labcorp
Classification: Likely benign. Last evaluated: 2026-01-19. Review status: criteria provided, single submitter. Criteria: Invitae Variant Classification Sherloc (09022015). Collection method: clinical testing. Allele origin: germline.

CeGaT Center for Human Genetics Tuebingen
Classification: Likely benign. Last evaluated: 2022-10-01. Review status: criteria provided, single submitter. Criteria: CeGaT Center For Human Genetics Tuebingen Variant Classification Criteria Version 2. Collection method: clinical testing. Allele origin: germline. Affected: yes. Observed: 1 variant allele.
Comment: KATNIP: BP4, BP7